The following is an entry in ClinVar:

ClinVar aggregate classification (germline): Uncertain significance (1 of 4 stars; one submission).

Conditions:
Melnick-Needles syndrome (MNS). Also called: MELNICK-NEEDLES OSTEODYSPLASTY; OSTEODYSPLASTY OF MELNICK AND NEEDLES; Melnick-Needles Syndrome (FLNA-MNS). Identifiers: Orphanet 2484, MedGen C0025237, MONDO:0010650, OMIM 309350.
Frontometaphyseal dysplasia (FMD1). Identifiers: Orphanet 1826, MedGen C0265293, MONDO:0015942.
Heterotopia, periventricular, X-linked dominant (PVNH1). Also called: PERIVENTRICULAR NODULAR HETEROTOPIA 1; X-linked periventricular heterotopia; PERIVENTRICULAR NODULAR HETEROTOPIA 4; HETEROTOPIA, PERIVENTRICULAR, 1. Identifiers: Orphanet 2149, Orphanet 82004, MedGen C1848213, MONDO:0010233, OMIM 300049.
Oto-palato-digital syndrome, type II (OPD2). Also called: FACIOPALATOOSSEOUS SYNDROME; OPD II SYNDROME; Otopalatodigital Syndrome, Type II; Otopalatodigital Syndrome Type 2 (FLNA-OPD2). Identifiers: Orphanet 669, Orphanet 90652, MedGen C1844696, MONDO:0010571, OMIM 304120.

Submission:

Labcorp Genetics (formerly Invitae), Labcorp
Classification: Uncertain significance for Oto-palato-digital syndrome, type II; Heterotopia, periventricular, X-linked dominant; Frontometaphyseal dysplasia; Melnick-Needles syndrome. Last evaluated: 2024-11-24. Review status: criteria provided, single submitter. Criteria: Invitae Variant Classification Sherloc (09022015). Collection method: clinical testing. Allele origin: germline.
Comment: This sequence change replaces serine, which is neutral and polar, with asparagine, which is neutral and polar, at codon 1279 of the FLNA protein (p.Ser1279Asn). This variant is not present in population databases (gnomAD no frequency). This variant has not been reported in the literature in individuals affected with FLNA-related conditions. Invitae Evidence Modeling of protein sequence and biophysical properties (such as structural, functional, and spatial information, amino acid conservation, physicochemical variation, residue mobility, and thermodynamic stability) indicates that this missense variant is not expected to disrupt FLNA protein function with a negative predictive value of 95%. In summary, the available evidence is currently insufficient to determine the role of this variant in disease. Therefore, it has been classified as a Variant of Uncertain Significance.

NM_001110556.2(FLNA):c.3836G>A (p.Ser1279Asn)

Gene: FLNA (filamin A; minus strand). Cytogenetic location: Xq28.
Variant type: single nucleotide variant.
Coding change: c.3836G>A on transcript NM_001110556.2 (MANE Select); coding-DNA position 3836, G replaced by A.
Protein change: p.Ser1279Asn; replaces serine 1279 with asparagine.
Molecular consequence: missense variant.
Genome position (GRCh38, 1-based): chrX:154,359,875, C>T on the plus strand (G>A on the coding strand, the complement: FLNA is on the minus strand). VCF-style: chrX-154359875-C-T. GRCh37 (hg19) VCF-style: chrX-153588243-C-T.
Other names: c.3836G>A, p.Ser1279Asn (NM_001456.4); short protein forms S1279N.
Identifiers: ClinVar variation 3753991 (VCV003753991.2).